The following is an entry in ClinVar:

NM_003070.5(SMARCA2):c.4310C>G (p.Pro1437Arg)

Gene: SMARCA2 (SWI/SNF related BAF chromatin remodeling complex subunit ATPase 2; plus strand). Cytogenetic location: 9p24.3.
Variant type: single nucleotide variant.
Coding change: c.4310C>G on transcript NM_003070.5 (MANE Select); coding-DNA position 4310, C replaced by G.
Protein change: p.Pro1437Arg; replaces proline 1437 with arginine.
Molecular consequence: missense variant.
Genome position (GRCh38, 1-based): chr9:2,181,627, C>G. VCF-style: chr9-2181627-C-G. GRCh37 (hg19) VCF-style: chr9-2181627-C-G.
Other names: c.4310C>G, p.Pro1437Arg (NM_001289396.2); c.4082C>G, p.Pro1361Arg (NM_001289397.2); c.284C>G, p.Pro95Arg (NM_001289398.2); c.368C>G, p.Pro123Arg (NM_001289399.2); c.374C>G, p.Pro125Arg (NM_001289400.2); c.4256C>G, p.Pro1419Arg (NM_139045.4); short protein forms P123R, P125R, P1361R, P1419R, P1437R, P95R.
Identifiers: ClinVar variation 3051230 (VCV003051230.2), dbSNP rs1827031037, ClinGen allele CA372789760.
Genomic context (GRCh38, chr9:2,181,627, plus strand): 5'-ACAGTTCAGGGCGACAGCTCAGTGAAGTCTTCATTCAGTTACCTTCAAGGAAAGAATTAC[C>G]AGAATACTATGAATTAATTAGGAAGCCAGTGGATTTCAAAAAAATAAAGGTAGATATTTT-3'
Protein context (NP_003061.3, residues 1427-1447): FIQLPSRKEL[Pro1437Arg]EYYELIRKPV

ClinVar aggregate classification (germline): Uncertain significance (0 of 4 stars; one submission).

Conditions:
SMARCA2-related disorder. Also called: SMARCA2-related condition.

Allele frequency attached by ClinVar (database versions not stated): gnomAD exomes below 0.00001.
gnomAD v4.1: 1 of 1,599,152 alleles (0.000063%); highest among the groups gnomAD compares: Non-Finnish European, 0.000086%; no homozygotes.

Submission:

PreventionGenetics, part of Exact Sciences
Classification: Uncertain significance for SMARCA2-related condition. Last evaluated: 2024-01-08. Review status: no assertion criteria provided. Collection method: clinical testing. Allele origin: germline.
Comment: The SMARCA2 c.4310C>G variant is predicted to result in the amino acid substitution p.Pro1437Arg. To our knowledge, this variant has not been reported in the literature or in a large population database, indicating this variant is rare. At this time, the clinical significance of this variant is uncertain due to the absence of conclusive functional and genetic evidence.